The following is an entry in ClinVar:

NM_001267550.2(TTN):c.94636A>C (p.Lys31546Gln)

Genes: TTN (titin; minus strand), TTN-AS1 (TTN antisense RNA 1; plus strand). Cytogenetic location: 2q31.2.
Variant type: single nucleotide variant.
Coding change: c.94636A>C on transcript NM_001267550.2 (MANE Select); coding-DNA position 94636, A replaced by C.
Protein change: p.Lys31546Gln; replaces lysine 31546 with glutamine.
Molecular consequence: missense variant.
Genome position (GRCh38, 1-based): chr2:178,546,792, T>G on the plus strand (A>C on the coding strand, the complement: TTN is on the minus strand). VCF-style: chr2-178546792-T-G. GRCh37 (hg19) VCF-style: chr2-179411519-T-G.
Other names: c.89713A>C, p.Lys29905Gln (NM_001256850.1); c.67441A>C, p.Lys22481Gln (NM_003319.4); c.86932A>C, p.Lys28978Gln (NM_133378.4); c.67816A>C, p.Lys22606Gln (NM_133432.3); c.68017A>C, p.Lys22673Gln (NM_133437.4); short protein forms K29905Q, K22606Q, K22673Q, K28978Q, K31546Q, K22481Q.
Identifiers: ClinVar variation 4985507 (VCV004985507.1).

ClinVar aggregate classification (germline): Uncertain significance (1 of 4 stars; one submission).

Conditions:
TTN-related disorder. Also called: TTN-related disorders; TTN-related condition; TTN-related disease.

Submission:

PreventionGenetics, part of Exact Sciences
Classification: Uncertain significance for TTN-related condition. Last evaluated: 2025-10-31. Review status: criteria provided, single submitter. Criteria: ACMG Guidelines, 2015. Collection method: clinical testing. Allele origin: germline.
Comment: The TTN c.94636A>C variant is predicted to result in the amino acid substitution p.Lys31546Gln. To our knowledge, this variant has not been reported in the literature. This variant is reported in 0.013% of alleles in individuals of African descent in gnomAD. At this time, the clinical significance of this variant is uncertain due to the absence of conclusive functional and genetic evidence.